The following is an entry in ClinVar:

NM_004006.3(DMD):c.6220C>T (p.Leu2074=)

Gene: DMD (dystrophin; minus strand). Cytogenetic location: Xp21.1.
Variant type: single nucleotide variant.
Coding change: c.6220C>T on transcript NM_004006.3 (MANE Select); coding-DNA position 6220, C replaced by T.
Protein change: p.Leu2074=; no amino-acid change (leucine 2074 retained).
Molecular consequence: synonymous variant.
Genome position (GRCh38, 1-based): chrX:32,287,599, G>A on the plus strand (C>T on the coding strand, the complement: DMD is on the minus strand). VCF-style: chrX-32287599-G-A. GRCh37 (hg19) VCF-style: chrX-32305716-G-A.
Other names: c.6196C>T, p.Leu2066= (NM_000109.4); c.6208C>T, p.Leu2070= (NM_004009.3); c.5851C>T, p.Leu1951= (NM_004010.3); c.2197C>T, p.Leu733= (NM_004011.4); c.2188C>T, p.Leu730= (NM_004012.4).
Identifiers: ClinVar variation 4066504 (VCV004066504.2).
Genomic context (GRCh38, chrX:32,287,599, plus strand): 5'-CCTTGTACATTTTGTTAACTTTTTCCCATTGGAAATCAAGCTGGGAGAGAGCTTCCTGTA[G>A]CTTCACCCTTTCCACAGGCGTTGCACTTTGCAATGCTGCTGTCTTCTTGCTATGAATAAT-3'
Protein context (NP_003997.2, residues 2064-2084): QSATPVERVK[Leu2074=]QEALSQLDFQ

ClinVar aggregate classification (germline): Likely benign. Review status: criteria provided, single submitter (1 of 4 stars). 2 submissions from 2 submitters: Likely benign (1). 1 of the submissions does not count toward it. Last evaluated 2026-07-01.

Conditions:
Becker muscular dystrophy, Cardiomyopathy, Duchenne muscular dystrophy, Dystrophin deficiency.

Submissions (2):

CeGaT Center for Human Genetics Tuebingen
Classification: Likely benign. Last evaluated: 2026-07-01. Review status: criteria provided, single submitter. Criteria: CeGaT Center For Human Genetics Tuebingen Variant Classification Criteria Version 2. Collection method: clinical testing. Allele origin: germline. Affected: yes. Observed: 1 variant allele.
Comment: DMD: PM2:Supporting, BP4, BP7

Natera, Inc.
Classification: Uncertain significance for Becker muscular dystrophy, Cardiomyopathy, Duchenne muscular dystrophy, Dystrophin deficiency. Last evaluated: 2025-01-22. Review status: no assertion criteria provided. Collection method: clinical testing. Allele origin: germline. Not counted in ClinVar's aggregate classification.